The following is an entry in ClinVar:

NM_001378452.1(ITPR1):c.2175G>T (p.Lys725Asn)

Gene: ITPR1 (inositol 1,4,5-trisphosphate receptor type 1; plus strand). Cytogenetic location: 3p26.1.
Variant type: single nucleotide variant.
Coding change: c.2175G>T on transcript NM_001378452.1 (MANE Select); coding-DNA position 2175, G replaced by T.
Protein change: p.Lys725Asn; replaces lysine 725 with asparagine.
Molecular consequence: missense variant.
Genome position (GRCh38, 1-based): chr3:4,670,897, G>T. VCF-style: chr3-4670897-G-T. GRCh37 (hg19) VCF-style: chr3-4712581-G-T.
Other names: c.2175G>T, p.Lys725Asn (NM_001099952.4); c.2130G>T, p.Lys710Asn (NM_001168272.2, NM_002222.7); short protein forms K710N, K725N.
Identifiers: ClinVar variation 3719744 (VCV003719744.2).
Genomic context (GRCh38, chr3:4,670,897, plus strand): 5'-CAAAGAGATTCGCAGCAAGAGTGTGAGGGAATTGGCTCAGGATGCTAAAGAAGGGCAGAA[G>T]GAGGACCGAGACGTTCTCAGCTACTACAGGTGCGTGGGACACGTGTGGGGCTCAGATTGG-3'
Protein context (NP_001365381.1, residues 715-735): ELAQDAKEGQ[Lys725Asn]EDRDVLSYYR

ClinVar aggregate classification (germline): Uncertain significance (1 of 4 stars; one submission).

Submission:

Labcorp Genetics (formerly Invitae), Labcorp
Classification: Uncertain significance. Last evaluated: 2025-01-19. Review status: criteria provided, single submitter. Criteria: Invitae Variant Classification Sherloc (09022015). Collection method: clinical testing. Allele origin: germline.
Comment: This sequence change replaces lysine, which is basic and polar, with asparagine, which is neutral and polar, at codon 710 of the ITPR1 protein (p.Lys710Asn). This variant is not present in population databases (gnomAD no frequency). This variant has not been reported in the literature in individuals affected with ITPR1-related conditions. Invitae Evidence Modeling of protein sequence and biophysical properties (such as structural, functional, and spatial information, amino acid conservation, physicochemical variation, residue mobility, and thermodynamic stability) indicates that this missense variant is not expected to disrupt ITPR1 protein function with a negative predictive value of 95%. In summary, the available evidence is currently insufficient to determine the role of this variant in disease. Therefore, it has been classified as a Variant of Uncertain Significance.